The following is an entry in ClinVar:

NM_001135651.3(EIF2AK2):c.325G>T (p.Ala109Ser)

Gene: EIF2AK2 (eukaryotic translation initiation factor 2 alpha kinase 2; minus strand). Cytogenetic location: 2p22.2.
Variant type: single nucleotide variant.
Coding change: c.325G>T on transcript NM_001135651.3 (MANE Select); coding-DNA position 325, G replaced by T.
Protein change: p.Ala109Ser; replaces alanine 109 with serine.
Molecular consequence: missense variant.
Genome position (GRCh38, 1-based): chr2:37,141,617, C>A on the plus strand (G>T on the coding strand, the complement: EIF2AK2 is on the minus strand). VCF-style: chr2-37141617-C-A. GRCh37 (hg19) VCF-style: chr2-37368760-C-A.
Other names: A109S; c.325G>T, p.Ala109Ser (NM_001135652.3, NM_002759.4); c.325G>T (NM_0027759.3).
Identifiers: ClinVar variation 872962 (VCV000872962.9), dbSNP rs1675334390, ClinGen allele CA346319978.
Genomic context (GRCh38, chr2:37,141,617, plus strand): 5'-CTGGCCCATGCACCCCCGATGCACACTGTTCATAATTTACAGTTAGTCTTTTCTTCTGGG[C>A]AATTCTATTGATAAGGCCTATGTAATTCCCCATGGATAATCCTTCTGAAGAATTCGTTGT-3'
Protein context (NP_001129123.1, residues 99-119): GNYIGLINRI[Ala109Ser]QKKRLTVNYE

ClinVar aggregate classification (germline): Conflicting classifications of pathogenicity. Review status: criteria provided, conflicting classifications (1 of 4 stars). 5 submissions from 5 submitters: Likely pathogenic (2); Uncertain significance (1). 2 of the submissions do not count toward it. Last evaluated 2025-05-23.

Conditions:
Leukoencephalopathy, developmental delay, and episodic neurologic regression syndrome. Also called: LEUDEN SYNDROME. Identifiers: MedGen C5394367, MONDO:0030035, OMIM 618877.

Submissions (5):

3billion
Classification: Likely pathogenic for Leukoencephalopathy, developmental delay, and episodic neurologic regression syndrome. Last evaluated: 2025-05-23. Review status: criteria provided, single submitter. Criteria: ACMG Guidelines, 2015. Collection method: clinical testing. Allele origin: germline. Affected: yes.
Comment: The variant is not observed in the gnomAD v4.1.0 dataset. Predicted Consequence/Location: Missense variant. Missense changes are a common disease-causing mechanism. The same nucleotide change resulting in the same amino acid change has been previously reported to be associated with EIF2AK2-related disorder (ClinVar ID: VCV000872962 /PMID: 32197074). The variant has been previously reported as de novo in a similarly affected individual (PMID: 32197074). A different missense change at the same codon (p.Ala109Val) has been reported to be associated with EIF2AK2-related disorder (PMID: 32197074). However the evidence of pathogenicity is insufficient at this time. Therefore, this variant is classified as Likely pathogenic according to the recommendation of ACMG/AMP guideline.

Illumina Laboratory Services, Illumina
Classification: Likely pathogenic. Last evaluated: 2022-08-19. Review status: criteria provided, single submitter. Criteria: ICSL CNVClassificationCriteria Aug2020. Collection method: clinical testing. Allele origin: unknown. Affected: yes.
Comment: The EIF2AK2 c.325G>T (p.Ala109Ser) missense variant results in the substitution of alanine at amino acid position 109 with serine. This variant has been reported to have occurred de novo in one individual in the literature with developmental delay, leukoencephalolpathy, and additional neurological features (PMID: 32197074). Additionally, a variant at the same amino acid residue that results in a different amino acid change, p.Ala109Val, has been reported in a de novo state in at least one individual with similar features (PMID: 32197074). The c.325G>T variant is not found in version 2.1.1 or version 3.1.2 of the Genome Aggregation Database. This variant is located in one of two double stranded RNA binding domains, where other missense variants have been reported in affected individuals (PMID: 32197074; PMID: 33236446; PMID: 35146068), while another nearby missense variant that lies just outside the binding domain has been reported in an affected individual (PMID: 32197074; PMID: 33553620). Based on the available evidence, the c.325G>T (p.Ala109Ser) variant is classified as likely pathogenic for leukoencephalopathy, developmental delay, and episodic neurologic regression syndrome.

SIB Swiss Institute of Bioinformatics
Classification: Uncertain significance for Leukoencephalopathy, developmental delay, and episodic neurologic regression syndrome. Last evaluated: 2020-12-18. Review status: criteria provided, single submitter. Criteria: ACMG Guidelines, 2015. Collection method: curation. Allele origin: unknown.
Comment: This variant is interpreted as a variant of uncertain significance for Leukoencephalopathy, developmental delay, and episodic neurologic regression syndrome, autosomal dominant The following ACMG Tag(s) were applied: Absent from controls (or at extremely low frequency if recessive) in Exome Sequencing Project, 1000 Genomes Project, or Exome Aggregation Consortium (PM2); de novo variant (PS2 downgraded to moderate); Multiple lines of computational evidence suggest no impact on gene or gene product (BP4).

Solve-RD Consortium
Classification: Likely pathogenic for Leukoencephalopathy, developmental delay, and episodic neurologic regression syndrome. Last evaluated: 2022-06-01. Review status: no assertion criteria provided. Collection method: provider interpretation. Allele origin: de novo. Affected: yes. Not counted in ClinVar's aggregate classification.
Comment: Variant confirmed as disease-causing by referring clinical team

Variant identified during reanalysis of unsolved cases by the Solve-RD project. The Solve-RD project has received funding from the European Union’s Horizon 2020 research and innovation programme under grant agreement No 779257.

OMIM
Classification: Pathogenic for LEUKOENCEPHALOPATHY, DEVELOPMENTAL DELAY, AND EPISODIC NEUROLOGIC REGRESSION SYNDROME. Last evaluated: 2022-02-10. Review status: no assertion criteria provided. Collection method: literature only. Allele origin: germline. Not counted in ClinVar's aggregate classification.

Literature cited by the submitters: PubMed 32197074 (cited by 3 submitters); PubMed 35146068 (cited by Illumina Laboratory Services, Illumina); PubMed 33553620 (cited by Illumina Laboratory Services, Illumina); PubMed 33236446 (cited by Illumina Laboratory Services, Illumina); PubMed 39825153 (cited by Solve-RD Consortium); Mao, D., Reuter, C. M., Ruzhnikov, M. R. Z., Beck, A. E., Farrow, E. G., Emrick, L. T., Rosenfeld, J. A., Mackenzie, K. M., Robak, L., Wheeler, M. T., Burrage, L. C., Jain, M., and 20 others De novo EIF2AK1 and EIF2AK2 variants are associated with developmental delay, leukoencephalopathy, and neurologic decompensation. Am. J. Hum. Genet. 106: 570-583, 2020. (cited by OMIM).